The following is an entry in ClinVar:

NM_004369.4(COL6A3):c.8341A>G (p.Lys2781Glu)

Gene: COL6A3 (collagen type VI alpha 3 chain; minus strand). Cytogenetic location: 2q37.3.
Variant type: single nucleotide variant.
Coding change: c.8341A>G on transcript NM_004369.4 (MANE Select); coding-DNA position 8341, A replaced by G.
Protein change: p.Lys2781Glu; replaces lysine 2781 with glutamic acid.
Molecular consequence: missense variant.
Genome position (GRCh38, 1-based): chr2:237,340,575, T>C on the plus strand (A>G on the coding strand, the complement: COL6A3 is on the minus strand). VCF-style: chr2-237340575-T-C. GRCh37 (hg19) VCF-style: chr2-238249218-T-C.
Other names: c.6520A>G, p.Lys2174Glu (NM_057166.5); c.7723A>G, p.Lys2575Glu (NM_057167.4); short protein forms K2174E, K2575E, K2781E.
Identifiers: ClinVar variation 1698591 (VCV001698591.1), dbSNP rs2076965280, ClinGen allele CA351195130.
Genomic context (GRCh38, chr2:237,340,575, plus strand): 5'-ACTTGTCCACTAATTTGAAGAAGACGTCGTTTGGCTCACTGGCGAAGGTGTATACCTCCT[T>C]GATGTTCACCTTCCTGCCAATGCCCAGGACCACGAAGAAGTAGCCCTTGCATTTGGCCTG-3'
Protein context (NP_004360.2, residues 2771-2791): VLGIGRKVNI[Lys2781Glu]EVYTFASEPN

ClinVar aggregate classification (germline): Uncertain significance (1 of 4 stars; one submission).

Submission:

Women's Health and Genetics/Laboratory Corporation of America, LabCorp
Classification: Uncertain significance. Last evaluated: 2022-06-20. Review status: criteria provided, single submitter. Criteria: LabCorp Variant Classification Summary - May 2015. Collection method: clinical testing. Allele origin: germline.
Comment: Variant summary: COL6A3 c.8341A>G (p.Lys2781Glu) results in a conservative amino acid change located in the von Willebrand factor, type A domain (IPR002035) of the encoded protein sequence. Four of five in-silico tools predict a benign effect of the variant on protein function. The variant was absent in 251476 control chromosomes (gnomAD). The available data on variant occurrences in the general population are insufficient to allow any conclusion about variant significance. To our knowledge, no occurrence of c.8341A>G in individuals affected with Ullrich Congenital Muscular Dystrophy 1 and no experimental evidence demonstrating its impact on protein function have been reported. No clinical diagnostic laboratories have submitted clinical-significance assessments for this variant to ClinVar after 2014. Based on the evidence outlined above, the variant was classified as uncertain significance.